The following is an entry in ClinVar:

ClinVar aggregate classification (germline): Uncertain significance (1 of 4 stars; one submission).

Submission:

GeneDx
Classification: Uncertain significance. Last evaluated: 2022-05-16. Review status: criteria provided, single submitter. Criteria: GeneDx Variant Classification Process June 2021. Collection method: clinical testing. Allele origin: germline. Affected: yes.
Comment: Not observed at significant frequency in large population cohorts (gnomAD); Canonical splice site variant in a gene or region of a gene for which loss of function is not a well-established mechanism of disease; Has not been previously published as pathogenic or benign to our knowledge

NM_018896.5(CACNA1G):c.3984+1G>A

Gene: CACNA1G (calcium voltage-gated channel subunit alpha1 G; plus strand). Cytogenetic location: 17q21.33.
Variant type: single nucleotide variant.
Coding change: c.3984+1G>A on transcript NM_018896.5 (MANE Select); the canonical splice donor site of the intron after coding-DNA position 3984, G replaced by A.
Molecular consequence: splice donor variant.
Genome position (GRCh38, 1-based): chr17:50,602,889, G>A. VCF-style: chr17-50602889-G-A. GRCh37 (hg19) VCF-style: chr17-48680250-G-A.
Other names: c.3984+1G>A (NM_001256325.2, NM_198377.3, NM_198380.3 and 16 more transcripts); c.3915+1G>A (NM_198396.3, NM_198379.3, NM_198387.3 and 5 more transcripts).
Identifiers: ClinVar variation 1800615 (VCV001800615.1), dbSNP rs2545487033, ClinGen allele CA400255507.
Genomic context (GRCh38, chr17:50,602,889, plus strand): 5'-TTCCTGACCCTCTCCAATTACATCTTCACCGCAGTCTTTCTGGCTGAAATGACAGTGAAG[G>A]TGATGGGGGCTGGTGTTGGCTTGGGACCTCTGGTTCCTGGTGGGGGTGGAGACAGCTTGG-3'